The following is an entry in ClinVar:

NM_153603.4(COG7):c.1709C>T (p.Ala570Val)

Gene: COG7 (component of oligomeric golgi complex 7; minus strand). Cytogenetic location: 16p12.2.
Variant type: single nucleotide variant.
Coding change: c.1709C>T on transcript NM_153603.4 (MANE Select); coding-DNA position 1709, C replaced by T.
Protein change: p.Ala570Val; replaces alanine 570 with valine.
Molecular consequence: missense variant.
Genome position (GRCh38, 1-based): chr16:23,403,788, G>A on the plus strand (C>T on the coding strand, the complement: COG7 is on the minus strand). VCF-style: chr16-23403788-G-A. GRCh37 (hg19) VCF-style: chr16-23415109-G-A.
Other names: c.1709C>T (NM_153603.3); short protein forms A570V.
Identifiers: ClinVar variation 2200731 (VCV002200731.2), dbSNP rs747918109, ClinGen allele CA7960902.

ClinVar aggregate classification (germline): Uncertain significance. Review status: criteria provided, multiple submitters, no conflicts (2 of 4 stars). 2 submissions from 2 submitters: Uncertain significance (2). Last evaluated 2025-07-31.

Conditions:
Inborn genetic diseases. Identifiers: MedGen C0950123, MeSH D030342.
COG7 congenital disorder of glycosylation (CDG2E). Also called: CONGENITAL DISORDER OF GLYCOSYLATION, TYPE IIe; CDG IIe. Identifiers: Orphanet 79333, MedGen C2931010, MONDO:0012118, OMIM 608779.

Allele frequency attached by ClinVar (database versions not stated): TOPMed below 0.00001; ExAC 0.00002; gnomAD exomes 0.00002.
gnomAD v4.1: 24 of 1,614,232 alleles (0.0015%); highest among the groups gnomAD compares: South Asian, 0.015%; no homozygotes.

Submissions (2):

Ambry Genetics
Classification: Uncertain significance for Inborn genetic diseases. Last evaluated: 2025-07-31. Review status: criteria provided, single submitter. Criteria: Ambry Variant Classification Scheme 2023. Collection method: clinical testing. Allele origin: germline.

Labcorp Genetics (formerly Invitae), Labcorp
Classification: Uncertain significance for COG7 congenital disorder of glycosylation. Last evaluated: 2022-06-02. Review status: criteria provided, single submitter. Criteria: Invitae Variant Classification Sherloc (09022015). Collection method: clinical testing. Allele origin: germline.
Comment: This sequence change replaces alanine, which is neutral and non-polar, with valine, which is neutral and non-polar, at codon 570 of the COG7 protein (p.Ala570Val). This variant is present in population databases (rs747918109, gnomAD 0.02%). This variant has not been reported in the literature in individuals affected with COG7-related conditions. Algorithms developed to predict the effect of missense changes on protein structure and function (SIFT, PolyPhen-2, Align-GVGD) all suggest that this variant is likely to be tolerated. In summary, the available evidence is currently insufficient to determine the role of this variant in disease. Therefore, it has been classified as a Variant of Uncertain Significance.